The following is an entry in ClinVar:

ClinVar aggregate classification (germline): Uncertain significance (1 of 4 stars; one submission).

Allele frequency attached by ClinVar (database versions not stated): gnomAD 0.00001; TOPMed 0.00002.
gnomAD v4.1: 12 of 1,613,842 alleles (0.00074%); highest among the groups gnomAD compares: East Asian, 0.0022%; no homozygotes.

Submission:

Labcorp Genetics (formerly Invitae), Labcorp
Classification: Uncertain significance. Last evaluated: 2024-09-16. Review status: criteria provided, single submitter. Criteria: Invitae Variant Classification Sherloc (09022015). Collection method: clinical testing. Allele origin: germline.
Comment: This sequence change replaces proline, which is neutral and non-polar, with leucine, which is neutral and non-polar, at codon 34 of the MFSD2A protein (p.Pro34Leu). This variant is present in population databases (rs761444264, gnomAD 0.006%). This variant has not been reported in the literature in individuals affected with MFSD2A-related conditions. ClinVar contains an entry for this variant (Variation ID: 1405672). An algorithm developed to predict the effect of missense changes on protein structure and function (PolyPhen-2) suggests that this variant is likely to be tolerated. In summary, the available evidence is currently insufficient to determine the role of this variant in disease. Therefore, it has been classified as a Variant of Uncertain Significance.

NM_032793.5(MFSD2A):c.101C>T (p.Pro34Leu)

Gene: MFSD2A (MFSD2 lysolipid transporter A, lysophospholipid; plus strand). Cytogenetic location: 1p34.2.
Variant type: single nucleotide variant.
Coding change: c.101C>T on transcript NM_032793.5 (MANE Select); coding-DNA position 101, C replaced by T.
Protein change: p.Pro34Leu; replaces proline 34 with leucine.
Molecular consequence: missense variant. On other transcripts: 5 prime UTR variant (1), non-coding transcript variant (1), intron variant (2).
Genome position (GRCh38, 1-based): chr1:39,957,094, C>T. VCF-style: chr1-39957094-C-T. GRCh37 (hg19) VCF-style: chr1-40422766-C-T.
Other names: c.101C>T, p.Pro34Leu (NM_001136493.3, NM_001349822.2); c.95C>T, p.Pro32Leu (NM_001349821.2); c.-245C>T (NM_001349823.2); c.94-104C>T (NM_001287809.2); c.-116+1709C>T (NM_001287808.2); short protein forms P32L, P34L.
Identifiers: ClinVar variation 1405672 (VCV001405672.8), dbSNP rs761444264, ClinGen allele CA788544.